The following is an entry in ClinVar:

ClinVar aggregate classification (germline): Conflicting classifications of pathogenicity. Review status: criteria provided, conflicting classifications (1 of 4 stars). 16 submissions from 16 submitters: Uncertain significance (1); Benign (8); Likely benign (2). 5 of the submissions do not count toward it. Last evaluated 2026-08-01.

Conditions:
History of neurodevelopmental disorder. Identifiers: MedGen C2711754.
SYN1-related disorder. Also called: SYN1-related condition; SYN1-Related Disorders.
Intellectual developmental disorder, X-linked 50. Also called: MRX50; Intellectual disability, X-linked 50. Identifiers: Orphanet 777, MedGen C1848087, MONDO:0010251, OMIM 300115.
Epilepsy, X-linked 1, with variable learning disabilities and behavior disorders. Also called: X-linked epilepsy-learning disabilities-behavior disorders syndrome. Identifiers: Orphanet 85294, MedGen C5774177, MONDO:0010339, OMIM 300491.

Allele frequency attached by ClinVar (database versions not stated): gnomAD 0.01365 and 0.01462; TOPMed 0.01509; gnomAD exomes 0.00113 and 0.00116; ExAC 0.00152; 1000 Genomes Project 30x 0.01186; 1000 Genomes Project 0.01272.
gnomAD v4.1: 2,718 of 1,101,774 alleles (0.25%); highest among the groups gnomAD compares: African/African-American, 4.7%; 48 homozygotes.

Submissions (16):

CeGaT Center for Human Genetics Tuebingen
Classification: Benign. Last evaluated: 2026-08-01. Review status: criteria provided, single submitter. Criteria: CeGaT Center For Human Genetics Tuebingen Variant Classification Criteria Version 2. Collection method: clinical testing. Allele origin: germline. Affected: yes. Observed: 12 variant alleles.
Comment: SYN1: BS1, BS2

Labcorp Genetics (formerly Invitae), Labcorp
Classification: Benign for Epilepsy, X-linked 1, with variable learning disabilities and behavior disorders. Last evaluated: 2026-02-02. Review status: criteria provided, single submitter. Criteria: Invitae Variant Classification Sherloc (09022015). Collection method: clinical testing. Allele origin: germline.

Blueprint Genetics
Classification: Likely benign. Last evaluated: 2024-10-31. Review status: criteria provided, single submitter. Criteria: ACMG Guidelines, 2015. Collection method: clinical testing. Allele origin: germline.

ARUP Laboratories, Molecular Genetics and Genomics, ARUP Laboratories
Classification: Benign. Last evaluated: 2024-09-17. Review status: criteria provided, single submitter. Criteria: ARUP Molecular Germline Variant Investigation Process 2024. Collection method: clinical testing. Allele origin: germline.

Equipe Genetique des Anomalies du Developpement, Université de Bourgogne
Classification: Likely benign for Epilepsy, X-linked 1, with variable learning disabilities and behavior disorders. Last evaluated: 2018-11-21. Review status: criteria provided, single submitter. Criteria: ACMG Guidelines, 2015. Collection method: clinical testing. Allele origin: unknown.

Athena Diagnostics
Classification: Benign. Last evaluated: 2018-04-16. Review status: criteria provided, single submitter. Criteria: Athena Diagnostics Criteria. Collection method: clinical testing. Allele origin: germline.

Center for Pediatric Genomic Medicine, Children's Mercy Hospital and Clinics
Classification: Benign. Last evaluated: 2017-08-22. Review status: criteria provided, single submitter. Criteria: ACMG Guidelines, 2015. Collection method: clinical testing. Allele origin: germline.

Ambry Genetics
Classification: Benign for History of neurodevelopmental disorder. Last evaluated: 2017-06-22. Review status: criteria provided, single submitter. Criteria: Ambry Autosomal Dominant and X-Linked criteria (3/2017). Collection method: clinical testing. Allele origin: germline. Observed: 1 variant allele.
Comment: General population or sub-population frequency is too high to be a pathogenic mutation based on disease/syndrome prevalence and penetrance;General population or subpopulation frequency is too high to be a pathogenic mutation based on disease/syndrome prevalence and penetrance;In silico models in agreement (benign);Subpopulation frequency in support of benign classification

GeneDx
Classification: Benign. Last evaluated: 2016-12-15. Review status: criteria provided, single submitter. Criteria: GeneDx Variant Classification (06012015). Collection method: clinical testing. Allele origin: germline. Affected: yes.
Comment: This variant is considered likely benign or benign based on one or more of the following criteria: it is a conservative change, it occurs at a poorly conserved position in the protein, it is predicted to be benign by multiple in silico algorithms, and/or has population frequency not consistent with disease.

Genetic Services Laboratory, University of Chicago
Classification: Uncertain significance. Last evaluated: 2015-06-05. Review status: criteria provided, single submitter. Criteria: ACMG Guidelines, 2015. Collection method: clinical testing. Allele origin: germline.

Eurofins Ntd Llc (ga)
Classification: Benign. Last evaluated: 2015-01-22. Review status: criteria provided, single submitter. Criteria: EGL Classification Definitions 2015. Collection method: clinical testing. Allele origin: germline. Observed: 6 variant alleles, 1 heterozygote, 5 hemizygotes.

PreventionGenetics, part of Exact Sciences
Classification: Benign for SYN1-related condition. Last evaluated: 2021-06-18. Review status: no assertion criteria provided. Collection method: clinical testing. Allele origin: germline. Not counted in ClinVar's aggregate classification.
Comment: This variant is classified as benign based on ACMG/AMP sequence variant interpretation guidelines (Richards et al. 2015 PMID: 25741868, with internal and published modifications).

OMIM
Classification: Uncertain significance for RECLASSIFIED - VARIANT OF UNKNOWN SIGNIFICANCE. Last evaluated: 2011-06-15. Review status: no assertion criteria provided. Collection method: literature only. Allele origin: germline. Not counted in ClinVar's aggregate classification.

Clinical Genetics DNA and cytogenetics Diagnostics Lab, Erasmus MC, Erasmus Medical Center
Classification: Benign. Review status: no assertion criteria provided. Collection method: clinical testing. Allele origin: germline. Affected: yes. Study: VKGL Data-share Consensus. Not counted in ClinVar's aggregate classification.

Genome Diagnostics Laboratory, University Medical Center Utrecht
Classification: Likely benign. Review status: no assertion criteria provided. Collection method: clinical testing. Allele origin: germline. Affected: yes. Study: VKGL Data-share Consensus. Not counted in ClinVar's aggregate classification.

Laboratory of Diagnostic Genome Analysis, Leiden University Medical Center (LUMC)
Classification: Likely benign. Review status: no assertion criteria provided. Collection method: clinical testing. Allele origin: germline. Affected: yes. Study: VKGL Data-share Consensus. Not counted in ClinVar's aggregate classification.

Literature cited by the submitters: PubMed 21441247 (cited by 3 submitters); Hamosh, A. Personal Communication. 2022. Baltimore, Md. (cited by OMIM).

NM_006950.3(SYN1):c.1699A>G (p.Thr567Ala)

Gene: SYN1 (synapsin I; minus strand). Cytogenetic location: Xp11.3.
Variant type: single nucleotide variant.
Coding change: c.1699A>G on transcript NM_006950.3 (MANE Select); coding-DNA position 1699, A replaced by G.
Protein change: p.Thr567Ala; replaces threonine 567 with alanine.
Molecular consequence: missense variant.
Genome position (GRCh38, 1-based): chrX:47,574,285, T>C on the plus strand (A>G on the coding strand, the complement: SYN1 is on the minus strand). VCF-style: chrX-47574285-T-C. GRCh37 (hg19) VCF-style: chrX-47433684-T-C.
Other names: c.1699A>G, p.Thr567Ala (NM_133499.2); short protein forms T567A.
Identifiers: ClinVar variation 41890 (VCV000041890.59), dbSNP rs200533370, ClinGen allele CA130889.